The following is an entry in ClinVar:

ClinVar aggregate classification (germline): Likely pathogenic (0 of 4 stars; one submission).

Submission:

Leiden Open Variation Database
Classification: Likely pathogenic. Last evaluated: 2021-04-06. Review status: no assertion criteria provided. Collection method: curation. Allele origin: germline. Affected: yes.
Comment: Curator: Global Variome, with Curator vacancy. Submitters to LOVD: Julia Lopez, Manon Peeters.

Literature cited by the submitters: PubMed 9331261; PubMed 11139241; PubMed 16799052.

NM_000322.5(PRPH2):c.377T>G (p.Leu126Arg)

Gene: PRPH2 (peripherin 2; minus strand). Cytogenetic location: 6p21.1.
Variant type: single nucleotide variant.
Coding change: c.377T>G on transcript NM_000322.5 (MANE Select); coding-DNA position 377, T replaced by G.
Protein change: p.Leu126Arg; replaces leucine 126 with arginine.
Molecular consequence: missense variant.
Genome position (GRCh38, 1-based): chr6:42,721,958, A>C on the plus strand (T>G on the coding strand, the complement: PRPH2 is on the minus strand). VCF-style: chr6-42721958-A-C. GRCh37 (hg19) VCF-style: chr6-42689696-A-C.
Other names: short protein forms L126R.
Identifiers: ClinVar variation 1175242 (VCV001175242.1), dbSNP rs2152010976, ClinGen allele CA364137690.